The following is an entry in ClinVar:

NM_001605.3(AARS1):c.1969A>G (p.Asn657Asp)

Gene: AARS1 (alanyl-tRNA synthetase 1; minus strand). Cytogenetic location: 16q22.1.
Variant type: single nucleotide variant.
Coding change: c.1969A>G on transcript NM_001605.3 (MANE Select); coding-DNA position 1969, A replaced by G.
Protein change: p.Asn657Asp; replaces asparagine 657 with aspartic acid.
Molecular consequence: missense variant.
Genome position (GRCh38, 1-based): chr16:70,259,003, T>C on the plus strand (A>G on the coding strand, the complement: AARS1 is on the minus strand). VCF-style: chr16-70259003-T-C. GRCh37 (hg19) VCF-style: chr16-70292906-T-C.
Other names: p.Asn657Asp; c.1969A>G (NM_001605.2); short protein forms N657D.
Identifiers: ClinVar variation 1061777 (VCV001061777.11), dbSNP rs749039663, ClinGen allele CA8140622.
Genomic context (GRCh38, chr16:70,259,003, plus strand): 5'-GTGGGGAGGGGGGGCATTCAGCCGTCGCCCATCCTACCTTGGCTGCCTCAATCATCTCAT[T>C]AGCAATCTCTTCAGCCTTCTTGATCTGTTGGGTGGACATGGCTCCCTTGGCAGTAAAGTC-3'
Protein context (NP_001596.2, residues 647-667): QQIKKAEEIA[Asn657Asp]EMIEAAKAVY

ClinVar aggregate classification (germline): Uncertain significance. Review status: criteria provided, multiple submitters, no conflicts (2 of 4 stars). 3 submissions from 3 submitters: Uncertain significance (3). Last evaluated 2026-01-12.

Conditions:
Developmental and epileptic encephalopathy, 29 (DEE29). Also called: Epileptic encephalopathy, early infantile, 29. Identifiers: Orphanet 442835, MedGen C4225361, MONDO:0014593, OMIM 616339.
Leukoencephalopathy, hereditary diffuse, with spheroids 2 (HDLS2). Also called: LEUKOENCEPHALOPATHY, HEREDITARY DIFFUSE, WITH SPHEROIDS, SWEDISH TYPE. Identifiers: MedGen C5562044, MONDO:0030634, OMIM 619661.
Trichothiodystrophy 8, nonphotosensitive. Identifiers: MedGen C5562057, MONDO:0030517, OMIM 619691.
Charcot-Marie-Tooth disease axonal type 2N (CMT2N). Also called: Charcot-Marie-Tooth Neuropathy Type 2N; CHARCOT-MARIE-TOOTH DISEASE, AXONAL, AUTOSOMAL DOMINANT, TYPE 2N; CHARCOT-MARIE-TOOTH NEUROPATHY, AXONAL, TYPE 2N. Identifiers: Orphanet 228174, MedGen C2750090, MONDO:0013212, OMIM 613287.
Charcot-Marie-Tooth disease type 2. Also called: Charcot-Marie-Tooth type 2. Identifiers: Orphanet 64746, MedGen C0270914, MONDO:0018993.

Allele frequency attached by ClinVar (database versions not stated): TOPMed 0.00002; gnomAD exomes 0.00004 and 0.00003; gnomAD 0.00003; ExAC 0.00004.
gnomAD v4.1: 49 of 1,614,054 alleles (0.003%); highest among the groups gnomAD compares: Admixed American, 0.005%; no homozygotes.

Submissions (3):

Labcorp Genetics (formerly Invitae), Labcorp
Classification: Uncertain significance for Charcot-Marie-Tooth disease type 2. Last evaluated: 2026-01-12. Review status: criteria provided, single submitter. Criteria: Invitae Variant Classification Sherloc (09022015). Collection method: clinical testing. Allele origin: germline.
Comment: This sequence change replaces asparagine, which is neutral and polar, with aspartic acid, which is acidic and polar, at codon 657 of the AARS protein (p.Asn657Asp). This variant is present in population databases (rs749039663, gnomAD 0.008%). This variant has not been reported in the literature in individuals affected with AARS-related conditions. ClinVar contains an entry for this variant (Variation ID: 1061777). Invitae Evidence Modeling of protein sequence and biophysical properties (such as structural, functional, and spatial information, amino acid conservation, physicochemical variation, residue mobility, and thermodynamic stability) indicates that this missense variant is not expected to disrupt AARS protein function with a negative predictive value of 95%. In summary, the available evidence is currently insufficient to determine the role of this variant in disease. Therefore, it has been classified as a Variant of Uncertain Significance.

Mayo Clinic Laboratories, Mayo Clinic
Classification: Uncertain significance. Last evaluated: 2025-03-18. Review status: criteria provided, single submitter. Criteria: ACMG Guidelines, 2015. Collection method: clinical testing. Allele origin: germline. Observed: 1 variant allele.

Fulgent Genetics
Classification: Uncertain significance for Charcot-Marie-Tooth disease axonal type 2N; Developmental and epileptic encephalopathy, 29; Leukoencephalopathy, hereditary diffuse, with spheroids 2; Trichothiodystrophy 8, nonphotosensitive. Last evaluated: 2021-09-07. Review status: criteria provided, single submitter. Criteria: ACMG Guidelines, 2015. Collection method: clinical testing. Allele origin: unknown.